The following is an entry in ClinVar:

NM_052989.3(IFT122):c.410G>A (p.Cys137Tyr)

Gene: IFT122 (intraflagellar transport 122; plus strand). Cytogenetic location: 3q21.3.
Variant type: single nucleotide variant.
Coding change: c.410G>A on transcript NM_052989.3 (MANE Select); coding-DNA position 410, G replaced by A.
Protein change: p.Cys137Tyr; replaces cysteine 137 with tyrosine.
Molecular consequence: missense variant. On other transcripts: 5 prime UTR variant (2).
Genome position (GRCh38, 1-based): chr3:129,463,620, G>A. VCF-style: chr3-129463620-G-A. GRCh37 (hg19) VCF-style: chr3-129182463-G-A.
Other names: c.563G>A, p.Cys188Tyr (NM_001280541.2, NM_052985.4); c.-41G>A (NM_001280545.2, NM_001280546.2); c.410G>A, p.Cys137Tyr (NM_018262.4); c.254G>A, p.Cys85Tyr (NM_052990.3); short protein forms C137Y, C188Y, C85Y.
Identifiers: ClinVar variation 1398217 (VCV001398217.6), dbSNP rs1278478989, ClinGen allele CA354471997.
Genomic context (GRCh38, chr3:129,463,620, plus strand): 5'-GGTTGTGGTCTCCTGAACAGAAGTCTGTCTCCAAACACAAATCAAGCAGCAAGATCATCT[G>A]CTGCAGGTAAGTGCAGCTCTGACGATAAGATTTATGTTCCTTCATCTTCCACACAGACTC-3'
Protein context (NP_443715.1, residues 127-147): SKHKSSSKII[Cys137Tyr]CSWTNDGQYL

ClinVar aggregate classification (germline): Uncertain significance (1 of 4 stars; one submission).

Conditions:
Cranioectodermal dysplasia 1 (CED1). Also called: LEVIN SYNDROME I. Identifiers: Orphanet 1515, MedGen C0432235, MONDO:0021093, OMIM 218330.

Submission:

Labcorp Genetics (formerly Invitae), Labcorp
Classification: Uncertain significance for Cranioectodermal dysplasia 1. Last evaluated: 2021-12-10. Review status: criteria provided, single submitter. Criteria: Invitae Variant Classification Sherloc (09022015). Collection method: clinical testing. Allele origin: germline.
Comment: In summary, the available evidence is currently insufficient to determine the role of this variant in disease. Therefore, it has been classified as a Variant of Uncertain Significance. Algorithms developed to predict the effect of missense changes on protein structure and function are either unavailable or do not agree on the potential impact of this missense change (SIFT: "Deleterious"; PolyPhen-2: "Probably Damaging"; Align-GVGD: "Class C0"). This variant has not been reported in the literature in individuals affected with IFT122-related conditions. This variant is not present in population databases (gnomAD no frequency). This sequence change replaces cysteine, which is neutral and slightly polar, with tyrosine, which is neutral and polar, at codon 188 of the IFT122 protein (p.Cys188Tyr).